The following is an entry in ClinVar:

NM_005535.3(IL12RB1):c.1081C>A (p.Arg361=)

Gene: IL12RB1 (interleukin 12 receptor subunit beta 1; minus strand). Cytogenetic location: 19p13.11.
Variant type: single nucleotide variant.
Coding change: c.1081C>A on transcript NM_005535.3 (MANE Select); coding-DNA position 1081, C replaced by A.
Protein change: p.Arg361=; no amino-acid change (arginine 361 retained).
Molecular consequence: synonymous variant.
Genome position (GRCh38, 1-based): chr19:18,069,654, G>T on the plus strand (C>A on the coding strand, the complement: IL12RB1 is on the minus strand). VCF-style: chr19-18069654-G-T. GRCh37 (hg19) VCF-style: chr19-18180464-G-T.
Other names: c.1081C>A, p.Arg361= (NM_001290023.2); c.1201C>A, p.Arg401= (NM_001290024.2).
Identifiers: ClinVar variation 541816 (VCV000541816.10), dbSNP rs150261140, ClinGen allele CA9304967.

ClinVar aggregate classification (germline): Likely benign. Review status: criteria provided, multiple submitters, no conflicts (2 of 4 stars). 2 submissions from 2 submitters: Likely benign (2). Last evaluated 2025-06-19.

Conditions:
Mendelian susceptibility to mycobacterial diseases due to complete IL12RB1 deficiency. Also called: IL12RB1 DEFICIENCY; Immunodeficiency 30. Identifiers: Orphanet 319552, MedGen C4013949, MONDO:0013955, OMIM 614891.

Allele frequency attached by ClinVar (database versions not stated): TOPMed 0.00006; gnomAD 0.00013; 1000 Genomes Project 30x 0.00016.
gnomAD v4.1: 36 of 1,613,080 alleles (0.0022%); highest among the groups gnomAD compares: Admixed American, 0.025%; no homozygotes.

Submissions (2):

Labcorp Genetics (formerly Invitae), Labcorp
Classification: Likely benign for Mendelian susceptibility to mycobacterial diseases due to complete IL12RB1 deficiency. Last evaluated: 2025-06-19. Review status: criteria provided, single submitter. Criteria: Invitae Variant Classification Sherloc (09022015). Collection method: clinical testing. Allele origin: germline.

Center for Genomics, Ann and Robert H. Lurie Children's Hospital of Chicago
Classification: Likely benign for Mendelian susceptibility to mycobacterial diseases due to complete IL12RB1 deficiency. Last evaluated: 2023-01-18. Review status: criteria provided, single submitter. Criteria: ACMG Guidelines, 2015. Collection method: clinical testing. Allele origin: germline.
Comment: This variant has not been reported in the literature but is present in the Genome Aggregation Database (Highest reported MAF 0.07% [11/15268]). This variant is present in ClinVar (Variation ID: 541816). Evolutionary conservation and computational prediction tools for this variant are limited or unavailable. Of note, this is a silent variant and thus does not change the amino acid, it occurs at a nucleotide position that is poorly conserved evolutionarily, and it is not predicted to impact splicing; this reduces the probability that this variant is disease-causing. In summary, data on this variant suggests that this variant does not cause disease but requires further evidence. Therefore, this variant is classified as likely benign.